The following is an entry in ClinVar:

ClinVar aggregate classification (germline): Uncertain significance. Review status: criteria provided, multiple submitters, no conflicts (2 of 4 stars). 5 submissions from 5 submitters: Uncertain significance (4). 1 of the submissions does not count toward it. Last evaluated 2025-03-15.

Conditions:
FG syndrome (FGS). Identifiers: MedGen C0220769, MONDO:0002010.
FG syndrome 1 (OKS). Also called: OPITZ-KAVEGGIA SYNDROME; KELLER SYNDROME; MENTAL RETARDATION, LARGE HEAD, IMPERFORATE ANUS, CONGENITAL HYPOTONIA, AND PARTIAL AGENESIS OF CORPUS CALLOSUM; FG Syndrome Type 1 (FGS1). Identifiers: Orphanet 93932, MedGen C5399762, MONDO:0010590, OMIM 305450.
Familial thoracic aortic aneurysm and aortic dissection (TAAD). Also called: Thoracic aortic aneurysms and dissections. Identifiers: Orphanet 91387, MedGen C4707243, MONDO:0019625.

gnomAD v4.1: 4 of 1,211,123 alleles (0.00033%); highest among the groups gnomAD compares: East Asian, 0.003%; no homozygotes.

Submissions (5):

GeneDx
Classification: Uncertain significance. Last evaluated: 2025-03-15. Review status: criteria provided, single submitter. Criteria: GeneDx Variant Classification Process June 2021. Collection method: clinical testing. Allele origin: germline. Affected: yes.
Comment: Not observed at significant frequency in large population cohorts (gnomAD); In silico analysis indicates that this missense variant does not alter protein structure/function; This variant is associated with the following publications: (PMID: 32779332, 27081531)

Ambry Genetics
Classification: Uncertain significance for Familial thoracic aortic aneurysm and aortic dissection. Last evaluated: 2023-01-08. Review status: criteria provided, single submitter. Criteria: Ambry Variant Classification Scheme 2023. Collection method: clinical testing. Allele origin: germline.
Comment: The p.I1023V variant (also known as c.3067A>G), located in coding exon 22 of the MED12 gene, results from an A to G substitution at nucleotide position 3067. The isoleucine at codon 1023 is replaced by valine, an amino acid with highly similar properties. This amino acid position is not well conserved in available vertebrate species. In addition, this alteration is predicted to be tolerated by in silico analysis. Since supporting evidence is limited at this time, the clinical significance of this alteration remains unclear.

Labcorp Genetics (formerly Invitae), Labcorp
Classification: Uncertain significance for FG syndrome. Last evaluated: 2022-07-05. Review status: criteria provided, single submitter. Criteria: Invitae Variant Classification Sherloc (09022015). Collection method: clinical testing. Allele origin: germline.
Comment: This sequence change replaces isoleucine, which is neutral and non-polar, with valine, which is neutral and non-polar, at codon 1023 of the MED12 protein (p.Ile1023Val). This variant is not present in population databases (gnomAD no frequency). This missense change has been observed in individual(s) with intellectual disability and dysmorphic facial features (PMID: 27081531, 32779332). ClinVar contains an entry for this variant (Variation ID: 252963). Advanced modeling of protein sequence and biophysical properties (such as structural, functional, and spatial information, amino acid conservation, physicochemical variation, residue mobility, and thermodynamic stability) performed at Invitae indicates that this missense variant is not expected to disrupt MED12 protein function. In summary, the available evidence is currently insufficient to determine the role of this variant in disease. Therefore, it has been classified as a Variant of Uncertain Significance.

Revvity Omics, Revvity
Classification: Uncertain significance. Last evaluated: 2022-03-22. Review status: criteria provided, single submitter. Criteria: ACMG Guidelines, 2015. Collection method: clinical testing. Allele origin: germline.

GeneReviews
No classification provided. Condition: FG syndrome. Review status: no classification provided. Collection method: literature only. Allele origin: germline. Not counted in ClinVar's aggregate classification.

Literature cited by the submitters: PubMed 27081531 (cited by 3 submitters); PubMed 32779332 (cited by Labcorp Genetics (formerly Invitae), Labcorp); PubMed 20301719 (cited by GeneReviews).

NM_005120.3(MED12):c.3067A>G (p.Ile1023Val)

Gene: MED12 (mediator complex subunit 12; plus strand). Cytogenetic location: Xq13.1.
Variant type: single nucleotide variant.
Coding change: c.3067A>G on transcript NM_005120.3 (MANE Select); coding-DNA position 3067, A replaced by G.
Protein change: p.Ile1023Val; replaces isoleucine 1023 with valine.
Molecular consequence: missense variant.
Genome position (GRCh38, 1-based): chrX:71,127,978, A>G. VCF-style: chrX-71127978-A-G. GRCh37 (hg19) VCF-style: chrX-70347828-A-G.
Other names: short protein forms I1023V.
Identifiers: ClinVar variation 252963 (VCV000252963.17), dbSNP rs879255526, ClinGen allele CA10586139.